The following is an entry in ClinVar:

ClinVar aggregate classification (germline): Likely pathogenic (1 of 4 stars; one submission).

Conditions:
Ketoacidosis due to monocarboxylate transporter-1 deficiency. Also called: Monocarboxylate transporter 1 deficiency. Identifiers: Orphanet 438075, MedGen C4015186, MONDO:0014490, OMIM 616095.

Submission:

MVZ Medizinische Genetik Mainz
Classification: Likely pathogenic for Ketoacidosis due to monocarboxylate transporter-1 deficiency. Last evaluated: 2023-08-03. Review status: criteria provided, single submitter. Criteria: UK Practice Guidelines For Variant Classification V4 01 2020. Collection method: clinical testing. Allele origin: germline. Inheritance: Autosomal recessive inheritance. Affected: yes. Observed: 1 variant allele.
Comment: ACMG Criteria: PVS1,PM2_SUP

NM_003051.4(SLC16A1):c.1153C>T (p.Gln385Ter)

Gene: SLC16A1 (solute carrier family 16 member 1; minus strand). Cytogenetic location: 1p13.2.
Variant type: single nucleotide variant.
Coding change: c.1153C>T on transcript NM_003051.4 (MANE Select); coding-DNA position 1153, C replaced by T.
Protein change: p.Gln385Ter; replaces glutamine 385 with a stop codon.
Molecular consequence: nonsense.
Genome position (GRCh38, 1-based): chr1:112,917,253, G>A on the plus strand (C>T on the coding strand, the complement: SLC16A1 is on the minus strand). VCF-style: chr1-112917253-G-A. GRCh37 (hg19) VCF-style: chr1-113459875-G-A.
Other names: c.1153C>T, p.Gln385Ter (NM_001166496.2); short protein forms Q385*.
Identifiers: ClinVar variation 4526516 (VCV004526516.1).